The following is an entry in ClinVar:

NM_000492.4(CFTR):c.1785G>T (p.Met595Ile)

Gene: CFTR (CF transmembrane conductance regulator; plus strand). Cytogenetic location: 7q31.2.
Variant type: single nucleotide variant.
Coding change: c.1785G>T on transcript NM_000492.4 (MANE Select); coding-DNA position 1785, G replaced by T.
Protein change: p.Met595Ile; replaces methionine 595 with isoleucine.
Molecular consequence: missense variant.
Genome position (GRCh38, 1-based): chr7:117,591,952, G>T. VCF-style: chr7-117591952-G-T. GRCh37 (hg19) VCF-style: chr7-117232006-G-T.
Other names: short protein forms M595I.
Identifiers: ClinVar variation 3625850 (VCV003625850.3).

ClinVar aggregate classification (germline): Uncertain significance. Review status: criteria provided, multiple submitters, no conflicts (2 of 4 stars). 2 submissions from 2 submitters: Uncertain significance (2). Last evaluated 2026-03-10.

Conditions:
Cystic fibrosis (CF). Also called: MUCOVISCIDOSIS. Identifiers: Orphanet 586, MedGen C0010674, MONDO:0009061, OMIM 219700. Disease mechanism: loss of function.

gnomAD v4.1: 9 of 1,586,564 alleles (0.00057%); highest among the groups gnomAD compares: Non-Finnish European, 0.00068%; no homozygotes.

Submissions (2):

Women's Health and Genetics/Laboratory Corporation of America, LabCorp
Classification: Uncertain significance. Last evaluated: 2026-03-10. Review status: criteria provided, single submitter. Criteria: LabCorp Variant Classification Summary - May 2015. Collection method: clinical testing. Allele origin: germline.
Comment: Variant summary: CFTR c.1785G>T (p.Met595Ile) results in a conservative amino acid change in the encoded protein sequence. Algorithms developed to predict the effect of missense changes on protein structure and function are either unavailable or do not agree on the potential impact of this missense change. The variant was absent in 231198 control chromosomes. The available data on variant occurrences in the general population are insufficient to allow any conclusion about variant significance. While c.1785G>T has not been observed, a different (c.1785G>A) variant resulting in the same amino acid effect was observed in the presumed compound heterozygous state in at least 1 individual(s) affected with a sweat test result indicative of Cystic Fibrosis, however clinical follow up results were inconclusive (example, Rana-Dez_2008). These report(s) do not provide unequivocal conclusions about association of the variant with Cystic Fibrosis. To our knowledge, no experimental evidence demonstrating an impact on protein function has been reported. The following publications have been ascertained in the context of this evaluation (PMID: 34996830, 18676185). ClinVar contains an entry for this variant (Variation ID: 3625850). Based on the evidence outlined above, the variant was classified as uncertain significance.

Labcorp Genetics (formerly Invitae), Labcorp
Classification: Uncertain significance for Cystic fibrosis. Last evaluated: 2025-01-23. Review status: criteria provided, single submitter. Criteria: Invitae Variant Classification Sherloc (09022015). Collection method: clinical testing. Allele origin: germline.
Comment: This sequence change replaces methionine, which is neutral and non-polar, with isoleucine, which is neutral and non-polar, at codon 595 of the CFTR protein (p.Met595Ile). This variant is not present in population databases (gnomAD no frequency). This missense change has been observed in individual(s) with clinical features of cystic fibrosis (PMID: 18676185). Invitae Evidence Modeling of protein sequence and biophysical properties (such as structural, functional, and spatial information, amino acid conservation, physicochemical variation, residue mobility, and thermodynamic stability) has been performed for this missense variant. However, the output from this modeling did not meet the statistical confidence thresholds required to predict the impact of this variant on CFTR protein function. In summary, the available evidence is currently insufficient to determine the role of this variant in disease. Therefore, it has been classified as a Variant of Uncertain Significance.

Literature cited by the submitters: PubMed 18676185 (cited by Women's Health and Genetics/Laboratory Corporation of America, LabCorp and Labcorp Genetics (formerly Invitae), Labcorp); PubMed 34996830 (cited by Women's Health and Genetics/Laboratory Corporation of America, LabCorp).